The following is an entry in ClinVar:

ClinVar aggregate classification (germline): Conflicting classifications of pathogenicity. Review status: criteria provided, conflicting classifications (1 of 4 stars). 2 submissions from 2 submitters: Pathogenic (1); Benign (1). Last evaluated 2016-03-28.

Conditions:
Hypercholesterolemia, familial, 1. Also called: LDL RECEPTOR DISORDER; Hyperlipoproteinemia Type IIa; HYPER-LOW-DENSITY-LIPOPROTEINEMIA; HYPERCHOLESTEROLEMIC XANTHOMATOSIS, FAMILIAL; Fredrickson type IIa hyperlipoproteinemia; Hyperlipoproteinemia type 2. Identifiers: Orphanet 391665, MedGen C0745103, MONDO:0007750, OMIM 143890.

Allele frequency attached by ClinVar (database versions not stated): gnomAD exomes below 0.00001.

Submissions (2):

Laboratory for Molecular Medicine, Mass General Brigham Personalized Medicine
Classification: Benign. Last evaluated: 2016-03-28. Review status: criteria provided, single submitter. Criteria: LMM Criteria. Collection method: clinical testing. Allele origin: germline.
Comment: Variant identified in a genome or exome case(s) and assessed due to predicted null impact of the variant or pathogenic assertions in the literature or databases. Disclaimer: This variant has not undergone full assessment. The following are preliminary notes: Likely rs17240441, a single common 9 bp deletion

Laboratory of Genetics and Molecular Cardiology, University of São Paulo
Classification: Pathogenic for Familial hypercholesterolemia. Last evaluated: 2016-03-01. Review status: criteria provided, single submitter. Criteria: ACMG Guidelines, 2015. Collection method: research. Allele origin: germline. Inheritance: Autosomal dominant inheritance. Study: HipercolBrasil.

NM_000384.3(APOB):c.35del (p.Leu12fs)

Genes: APOB (apolipoprotein B; minus strand), LOC106560211 (APOB 5' regulatory region; plus strand). Cytogenetic location: 2p24.1.
Variant type: Deletion.
Coding change: c.35del on transcript NM_000384.3 (MANE Select); coding-DNA position 35, one base deleted (T; older notation c.35delT).
Protein change: p.Leu12fs; shifts the reading frame from leucine 12.
Molecular consequence: frameshift variant.
Genome position (GRCh38, 1-based): chr2:21,043,911, A deleted on the plus strand (T on the coding strand, the reverse complement: APOB is on the minus strand). VCF-style (leftmost placement, unchanged base first): chr2-21043910-CA-C. GRCh37 (hg19) VCF-style: chr2-21266782-CA-C.
Other names: short protein forms L12fs.
Identifiers: ClinVar variation 402370 (VCV000402370.4), dbSNP rs1060499841, ClinGen allele CA16609715.